The following is an entry in ClinVar:

ClinVar aggregate classification (germline): Likely pathogenic. Review status: criteria provided, multiple submitters, no conflicts (2 of 4 stars). 2 submissions from 2 submitters: Likely pathogenic (2). Last evaluated 2025-10-17.

Conditions:
Autosomal recessive limb-girdle muscular dystrophy type 2J (LGMDR10). Also called: Limb-girdle muscular dystrophy, type 2J; MUSCULAR DYSTROPHY, LIMB-GIRDLE, AUTOSOMAL RECESSIVE 10. Identifiers: Orphanet 140922, MedGen C1837342, MONDO:0012127, OMIM 608807.
Dilated cardiomyopathy 1G (CMD1G). Identifiers: Orphanet 154, MedGen C1858763, MONDO:0011400, OMIM 604145.

Allele frequency attached by ClinVar (database versions not stated): gnomAD exomes below 0.00001; gnomAD 0.00001 and 0.00002; TOPMed 0.00001.
gnomAD v4.1: 5 of 1,594,028 alleles (0.00031%); highest among the groups gnomAD compares: African/African-American, 0.0067%; no homozygotes.

Submissions (2):

Labcorp Genetics (formerly Invitae), Labcorp
Classification: Likely pathogenic for Dilated cardiomyopathy 1G; Autosomal recessive limb-girdle muscular dystrophy type 2J. Last evaluated: 2025-10-17. Review status: criteria provided, single submitter. Criteria: Invitae Variant Classification Sherloc (09022015). Collection method: clinical testing. Allele origin: germline.
Comment: This sequence change affects a donor splice site in intron 162 of the TTN gene. It is expected to disrupt RNA splicing and likely results in a truncated or disrupted TTN protein. The frequency data for this variant in the population databases is considered unreliable, as metrics indicate poor data quality at this position in the gnomAD database. This variant has not been reported in the literature in individuals affected with TTN-related conditions. ClinVar contains an entry for this variant (Variation ID: 467056). Algorithms developed to predict the effect of sequence changes on RNA splicing suggest that this variant may disrupt the consensus splice site. This variant is located in the I band of TTN (PMID: 25589632). Truncating variants in this region have been reported in individuals affected with autosomal recessive centronuclear myopathy (PMID: 23975875, internal data). Truncating variants in this region have also been identified in individuals affected with autosomal dominant dilated cardiomyopathy and/or cardio-related conditions (PMID: 27869827, 32964742, internal data). In summary, the currently available evidence indicates that the variant is pathogenic, but additional data are needed to prove that conclusively. Therefore, this variant has been classified as Likely Pathogenic.

GeneDx
Classification: Likely pathogenic. Last evaluated: 2024-03-13. Review status: criteria provided, single submitter. Criteria: GeneDx Variant Classification Process June 2021. Collection method: clinical testing. Allele origin: germline. Affected: yes.
Comment: Canonical splice site variant predicted to result in a null allele in a gene for which loss of function is a known mechanism of disease; Located in a region of TTN in which the majority of pathogenic variants have been reported in association with autosomal recessive titinopathies (PMID: 28040389, 29575618, 31660661, 32778822); Has not been previously published as pathogenic or benign to our knowledge; This variant is associated with the following publications: (PMID: 28040389, 29575618, 31660661, 32778822)

Literature cited by the submitters: PubMed 25589632 (cited by Labcorp Genetics (formerly Invitae), Labcorp); PubMed 23975875 (cited by Labcorp Genetics (formerly Invitae), Labcorp); PubMed 27869827 (cited by Labcorp Genetics (formerly Invitae), Labcorp); PubMed 32964742 (cited by Labcorp Genetics (formerly Invitae), Labcorp).

NM_001267550.2(TTN):c.35797+1G>T

Gene: TTN (titin; minus strand). Cytogenetic location: 2q31.2.
Variant type: single nucleotide variant.
Coding change: c.35797+1G>T on transcript NM_001267550.2 (MANE Select); the canonical splice donor site of the intron after coding-DNA position 35797, G replaced by T.
Molecular consequence: splice donor variant. On other transcripts: intron variant (5).
Genome position (GRCh38, 1-based): chr2:178,667,235, C>A on the plus strand (G>T on the coding strand, the complement: TTN is on the minus strand). VCF-style: chr2-178667235-C-A. GRCh37 (hg19) VCF-style: chr2-179531962-C-A.
Other names: c.13283-24918G>T (NM_003319.4); c.13859-24918G>T (NM_133437.4); c.13658-24918G>T (NM_133432.3); c.31483+2983G>T (NM_133378.4); c.34264+2983G>T (NM_001256850.1).
Identifiers: ClinVar variation 467056 (VCV000467056.11), dbSNP rs917175304, ClinGen allele CA349507965.